The following is an entry in ClinVar:

NM_001283009.2(RTEL1):c.3412C>T (p.Arg1138Trp)

Genes: RTEL1 (regulator of telomere elongation helicase 1; plus strand), RTEL1-TNFRSF6B (RTEL1-TNFRSF6B readthrough (NMD candidate); plus strand). Cytogenetic location: 20q13.33.
Variant type: single nucleotide variant.
Coding change: c.3412C>T on transcript NM_001283009.2 (MANE Select); coding-DNA position 3412, C replaced by T.
Protein change: p.Arg1138Trp; replaces arginine 1138 with tryptophan.
Molecular consequence: missense variant. On other transcripts: non-coding transcript variant (1).
Genome position (GRCh38, 1-based): chr20:63,695,134, C>T. VCF-style: chr20-63695134-C-T. GRCh37 (hg19) VCF-style: chr20-62326487-C-T.
Other names: c.2743C>T, p.Arg915Trp (NM_001283010.1); c.3412C>T, p.Arg1138Trp (NM_016434.4); c.3484C>T, p.Arg1162Trp (NM_032957.5); short protein forms R915W, R1162W, R1138W.
Identifiers: ClinVar variation 654387 (VCV000654387.11), dbSNP rs6062495, ClinGen allele CA9966021.
Genomic context (GRCh38, chr20:63,695,134, plus strand): 5'-ATGTTTGTGCGTCCACACCACAAGCAGCGCTTCTCACAGACGTGCACAGACCTGACCGGC[C>T]GGCCCTACCCGGGCATGGAGCCACCGGGACCCCAGGAGGAGAGGCTTGCCGTGCCTCCTG-3'
Protein context (NP_001269938.1, residues 1128-1148): FSQTCTDLTG[Arg1138Trp]PYPGMEPPGP

ClinVar aggregate classification (germline): Conflicting classifications of pathogenicity. Review status: criteria provided, conflicting classifications (1 of 4 stars). 6 submissions from 6 submitters: Uncertain significance (3); Likely benign (1). 2 of the submissions do not count toward it. Last evaluated 2025-12-11.

Conditions:
Dyskeratosis congenita, autosomal recessive 5 (DKCB5). Identifiers: MedGen C3554656, MONDO:0014076, OMIM 615190.
Dyskeratosis congenita. Identifiers: Orphanet 1775, MedGen C0265965, MONDO:0015780.
Pulmonary fibrosis and/or bone marrow failure, Telomere-related, 3. Also called: PULMONARY FIBROSIS AND/OR BONE MARROW FAILURE SYNDROME, TELOMERE-RELATED, 3. Identifiers: Orphanet 2032, MedGen C4225346, MONDO:0014613, OMIM 616373.
RTEL1-related disorder. Also called: RTEL1-related disorders; RTEL1-related condition.

Allele frequency attached by ClinVar (database versions not stated): 1000 Genomes Project 30x 0.00016; TOPMed 0.00020.
gnomAD v4.1: 99 of 1,612,404 alleles (0.0061%); highest among the groups gnomAD compares: African/African-American, 0.091%; no homozygotes.

Submissions (6):

Labcorp Genetics (formerly Invitae), Labcorp
Classification: Uncertain significance for Dyskeratosis congenita, autosomal recessive 5; Pulmonary fibrosis and/or bone marrow failure, Telomere-related, 3. Last evaluated: 2025-12-11. Review status: criteria provided, single submitter. Criteria: Invitae Variant Classification Sherloc (09022015). Collection method: clinical testing. Allele origin: germline.
Comment: This sequence change replaces arginine, which is basic and polar, with tryptophan, which is neutral and slightly polar, at codon 1138 of the RTEL1 protein (p.Arg1138Trp). This variant is present in population databases (rs6062495, gnomAD 0.1%). This variant has not been reported in the literature in individuals affected with RTEL1-related conditions. ClinVar contains an entry for this variant (Variation ID: 654387). An algorithm developed to predict the effect of missense changes on protein structure and function outputs the following: PolyPhen-2: "Benign". The tryptophan amino acid residue is found in multiple mammalian species, which suggests that this missense change does not adversely affect protein function. In summary, the available evidence is currently insufficient to determine the role of this variant in disease. Therefore, it has been classified as a Variant of Uncertain Significance.

GeneDx
Classification: Uncertain significance. Last evaluated: 2025-05-13. Review status: criteria provided, single submitter. Criteria: GeneDx Variant Classification Process June 2021. Collection method: clinical testing. Allele origin: germline. Affected: yes.
Comment: In silico analysis suggests that this missense variant does not alter protein structure/function; Has not been previously published as pathogenic or benign to our knowledge

Blueprint Genetics
Classification: Likely benign. Last evaluated: 2021-04-23. Review status: criteria provided, single submitter. Criteria: ACMG Guidelines, 2015. Collection method: clinical testing. Allele origin: germline.

Baylor Genetics
Classification: Uncertain significance for Dyskeratosis congenita, autosomal recessive 5. Last evaluated: 2020-02-14. Review status: criteria provided, single submitter. Criteria: ACMG Guidelines, 2015. Collection method: clinical testing. Allele origin: unknown. Affected: yes.
Comment: This variant was determined to be of uncertain significance according to ACMG Guidelines, 2015 [PMID:25741868].

PreventionGenetics, part of Exact Sciences
Classification: Uncertain significance for RTEL1-related condition. Last evaluated: 2024-08-14. Review status: no assertion criteria provided. Collection method: clinical testing. Allele origin: germline. Not counted in ClinVar's aggregate classification.
Comment: The RTEL1 c.3484C>T variant is predicted to result in the amino acid substitution p.Arg1162Trp. To our knowledge, this variant has not been reported in the literature. This variant is reported in 0.098% of alleles in individuals of African descent in gnomAD. At this time, the clinical significance of this variant is uncertain due to the absence of conclusive functional and genetic evidence.

Natera, Inc.
Classification: Uncertain significance for Dyskeratosis congenita. Last evaluated: 2020-03-10. Review status: no assertion criteria provided. Collection method: clinical testing. Allele origin: germline. Not counted in ClinVar's aggregate classification.